The following is an entry in ClinVar:

ClinVar aggregate classification (germline): Conflicting classifications of pathogenicity. Review status: criteria provided, conflicting classifications (1 of 4 stars). 2 submissions from 2 submitters: Likely pathogenic (1); Uncertain significance (1). Last evaluated 2025-05-20.

Conditions:
Hereditary spherocytosis type 4. Also called: SLC4A1-Related Spherocytosis. Identifiers: Orphanet 822, MedGen C2675212, MONDO:0012981, OMIM 612653.

Submissions (2):

ARUP Laboratories, Molecular Genetics and Genomics, ARUP Laboratories
Classification: Uncertain significance. Last evaluated: 2025-05-20. Review status: criteria provided, single submitter. Criteria: ARUP Molecular Germline Variant Investigation Process 2024. Collection method: clinical testing. Allele origin: germline.
Comment: The SLC4A1 c.2165C>T; p.Pro722Leu variant (ClinVar Variation ID: 1676952) is reported in the literature in one individual affected with spherocytosis (Wang 2023). This variant is absent from the Genome Aggregation Database (v2.1.1), indicating it is not a common polymorphism. Computational analyses predict that this variant is deleterious (REVEL: 0.922). However, given the lack of functional data, the significance of this variant is uncertain at this time. References: Wang WJ et al. Identification of variants in 94 Chinese patients with hereditary spherocytosis by next-generation sequencing. Clin Genet. 2023 Jan. PMID: 36203343.

Jiangsu Institute of Hematology, the First Affiliated Hospital of Soochow University
Classification: Likely pathogenic for Hereditary spherocytosis type 4. Last evaluated: 2022-03-01. Review status: criteria provided, single submitter. Criteria: ACMG Guidelines, 2015. Collection method: research. Allele origin: inherited. Affected: yes.

NM_000342.4(SLC4A1):c.2165C>T (p.Pro722Leu)

Gene: SLC4A1 (solute carrier family 4 member 1 (Diego blood group); minus strand). Cytogenetic location: 17q21.31.
Variant type: single nucleotide variant.
Coding change: c.2165C>T on transcript NM_000342.4 (MANE Select); coding-DNA position 2165, C replaced by T.
Protein change: p.Pro722Leu; replaces proline 722 with leucine.
Molecular consequence: missense variant.
Genome position (GRCh38, 1-based): chr17:44,253,264, G>A on the plus strand (C>T on the coding strand, the complement: SLC4A1 is on the minus strand). VCF-style: chr17-44253264-G-A. GRCh37 (hg19) VCF-style: chr17-42330632-G-A.
Other names: short protein forms P722L.
Identifiers: ClinVar variation 1676952 (VCV001676952.2), dbSNP rs2509960984, ClinGen allele CA399781677.